The following is an entry in ClinVar:

NM_001145809.2(MYH14):c.1295G>A (p.Arg432Gln)

Gene: MYH14 (myosin heavy chain 14; plus strand). Cytogenetic location: 19q13.33.
Variant type: single nucleotide variant.
Coding change: c.1295G>A on transcript NM_001145809.2 (MANE Select); coding-DNA position 1295, G replaced by A.
Protein change: p.Arg432Gln; replaces arginine 432 with glutamine.
Molecular consequence: missense variant.
Genome position (GRCh38, 1-based): chr19:50,247,088, G>A. VCF-style: chr19-50247088-G-A. GRCh37 (hg19) VCF-style: chr19-50750345-G-A.
Other names: c.1295G>A, p.Arg432Gln (NM_001077186.2); c.1271G>A, p.Arg424Gln (NM_024729.4); short protein forms R424Q, R432Q.
Identifiers: ClinVar variation 329910 (VCV000329910.9), dbSNP rs751011647, ClinGen allele CA9592576.

ClinVar aggregate classification (germline): Uncertain significance. Review status: criteria provided, multiple submitters, no conflicts (2 of 4 stars). 3 submissions from 3 submitters: Uncertain significance (3). Last evaluated 2025-11-05.

Conditions:
Inborn genetic diseases. Identifiers: MedGen C0950123, MeSH D030342.
Autosomal dominant nonsyndromic hearing loss 4A. Also called: Deafness, autosomal dominant 4A. Identifiers: Orphanet 90635, MedGen C1833503, MONDO:0010915, OMIM 600652.

Allele frequency attached by ClinVar (database versions not stated): gnomAD 0.00001; gnomAD exomes 0.00003 and 0.00007; TOPMed 0.00003; ExAC 0.00004.
gnomAD v4.1: 42 of 1,613,496 alleles (0.0026%); highest among the groups gnomAD compares: East Asian, 0.036%; no homozygotes.

Submissions (3):

Ambry Genetics
Classification: Uncertain significance for Inborn genetic diseases. Last evaluated: 2025-11-05. Review status: criteria provided, single submitter. Criteria: Ambry Variant Classification Scheme 2023. Collection method: clinical testing. Allele origin: germline.

Women's Health and Genetics/Laboratory Corporation of America, LabCorp
Classification: Uncertain significance. Last evaluated: 2025-05-27. Review status: criteria provided, single submitter. Criteria: LabCorp Variant Classification Summary - May 2015. Collection method: clinical testing. Allele origin: germline.
Comment: Variant summary: MYH14 c.1271G>A (p.Arg424Gln) results in a conservative amino acid change in the encoded protein sequence. Algorithms developed to predict the effect of missense changes on protein structure and function are either unavailable or do not agree on the potential impact of this missense change. The variant allele was found at a frequency of 7.3e-05 in 247958 control chromosomes. To our knowledge, no occurrence of c.1271G>A in individuals affected with Autosomal dominant nonsyndromic hearing loss 4A and no experimental evidence demonstrating its impact on protein function have been reported. ClinVar contains an entry for this variant (Variation ID: 329910). Based on the evidence outlined above, the variant was classified as uncertain significance.

Illumina Laboratory Services, Illumina
Classification: Uncertain significance for Autosomal dominant nonsyndromic hearing loss 4A. Last evaluated: 2018-01-12. Review status: criteria provided, single submitter. Criteria: ICSL Variant Classification Criteria 13 December 2019. Collection method: clinical testing. Allele origin: germline.